The following is an entry in ClinVar:

ClinVar aggregate classification (germline): Uncertain significance (1 of 4 stars; one submission).

Conditions:
Inborn genetic diseases. Identifiers: MedGen C0950123, MeSH D030342.

Submission:

Ambry Genetics
Classification: Uncertain significance for Inborn genetic diseases. Last evaluated: 2025-06-25. Review status: criteria provided, single submitter. Criteria: Ambry Variant Classification Scheme 2023. Collection method: clinical testing. Allele origin: germline.
Comment: The p.E645G variant (also known as c.1934A>G), located in coding exon 1 of the SAMD9 gene, results from an A to G substitution at nucleotide position 1934. The glutamic acid at codon 645 is replaced by glycine, an amino acid with similar properties. This amino acid position is conserved. In addition, this alteration is predicted to be tolerated by in silico analysis. Based on the available evidence, the clinical significance of this variant remains unclear.

NM_017654.4(SAMD9):c.1934A>G (p.Glu645Gly)

Gene: SAMD9 (sterile alpha motif domain containing 9; minus strand). Cytogenetic location: 7q21.2.
Variant type: single nucleotide variant.
Coding change: c.1934A>G on transcript NM_017654.4 (MANE Select); coding-DNA position 1934, A replaced by G.
Protein change: p.Glu645Gly; replaces glutamic acid 645 with glycine.
Molecular consequence: missense variant.
Genome position (GRCh38, 1-based): chr7:93,104,164, T>C on the plus strand (A>G on the coding strand, the complement: SAMD9 is on the minus strand). VCF-style: chr7-93104164-T-C. GRCh37 (hg19) VCF-style: chr7-92733477-T-C.
Other names: c.1934A>G, p.Glu645Gly (NM_001193307.2); short protein forms E645G.
Identifiers: ClinVar variation 4159031 (VCV004159031.1).